The following is an entry in ClinVar:

NM_001267550.2(TTN):c.73995G>T (p.Thr24665=)

Genes: TTN (titin; minus strand), TTN-AS1 (TTN antisense RNA 1; plus strand). Cytogenetic location: 2q31.2.
Variant type: single nucleotide variant.
Coding change: c.73995G>T on transcript NM_001267550.2 (MANE Select); coding-DNA position 73995, G replaced by T.
Protein change: p.Thr24665=; no amino-acid change (threonine 24665 retained).
Molecular consequence: synonymous variant.
Genome position (GRCh38, 1-based): chr2:178,572,137, C>A on the plus strand (G>T on the coding strand, the complement: TTN is on the minus strand). VCF-style: chr2-178572137-C-A. GRCh37 (hg19) VCF-style: chr2-179436864-C-A.
Other names: c.69072G>T, p.Thr23024= (NM_001256850.1); c.46800G>T, p.Thr15600= (NM_003319.4); c.66291G>T, p.Thr22097= (NM_133378.4); c.47175G>T, p.Thr15725= (NM_133432.3); c.47376G>T, p.Thr15792= (NM_133437.4).
Identifiers: ClinVar variation 2416042 (VCV002416042.33), dbSNP rs369122344, ClinGen allele CA430256226.

ClinVar aggregate classification (germline): Likely benign. Review status: criteria provided, multiple submitters, no conflicts (2 of 4 stars). 2 submissions from 2 submitters: Likely benign (2). Last evaluated 2025-05-13.

Conditions:
Autosomal recessive limb-girdle muscular dystrophy type 2J (LGMDR10). Also called: MUSCULAR DYSTROPHY, LIMB-GIRDLE, AUTOSOMAL RECESSIVE 10; Limb-girdle muscular dystrophy, type 2J. Identifiers: Orphanet 140922, MedGen C1837342, MONDO:0012127, OMIM 608807.
Dilated cardiomyopathy 1G (CMD1G). Identifiers: Orphanet 154, MedGen C1858763, MONDO:0011400, OMIM 604145.

gnomAD v4.1: 2 of 1,613,202 alleles (0.00012%); highest among the groups gnomAD compares: Non-Finnish European, 0.00017%; no homozygotes.

Submissions (2):

Labcorp Genetics (formerly Invitae), Labcorp
Classification: Likely benign for Dilated cardiomyopathy 1G; Autosomal recessive limb-girdle muscular dystrophy type 2J. Last evaluated: 2025-05-13. Review status: criteria provided, single submitter. Criteria: Invitae Variant Classification Sherloc (09022015). Collection method: clinical testing. Allele origin: germline.

CeGaT Center for Human Genetics Tuebingen
Classification: Likely benign. Last evaluated: 2022-05-01. Review status: criteria provided, single submitter. Criteria: CeGaT Center For Human Genetics Tuebingen Variant Classification Criteria Version 2. Collection method: clinical testing. Allele origin: germline. Affected: yes. Observed: 1 variant allele.
Comment: TTN: BP4, BP7